The following is an entry in ClinVar:

ClinVar aggregate classification (germline): Conflicting classifications of pathogenicity. Review status: criteria provided, conflicting classifications (1 of 4 stars). 8 submissions from 8 submitters: Uncertain significance (1); Benign (5). 2 of the submissions do not count toward it. Last evaluated 2026-02-04.

Conditions:
Osteogenesis imperfecta type 11. Also called: OI, TYPE XI; Osteogenesis imperfecta, type XI. Identifiers: Orphanet 666, MedGen C3151218, MONDO:0012592, OMIM 610968.

Allele frequency attached by ClinVar (database versions not stated): gnomAD exomes 0.04167 and 0.04830; gnomAD 0.06739 and 0.06561; ExAC 0.04900; 1000 Genomes Project 0.07428; ESP Exome Variant Server 0.06305; TOPMed 0.06603; 1000 Genomes Project 30x 0.07167.
gnomAD v4.1: 71,143 of 1,614,136 alleles (4.4%); highest among the groups gnomAD compares: African/African-American, 12%; 2,023 homozygotes.

Submissions (8):

Labcorp Genetics (formerly Invitae), Labcorp
Classification: Benign. Last evaluated: 2026-02-04. Review status: criteria provided, single submitter. Criteria: Invitae Variant Classification Sherloc (09022015). Collection method: clinical testing. Allele origin: germline.

Mayo Clinic Laboratories, Mayo Clinic
Classification: Benign. Last evaluated: 2023-03-19. Review status: criteria provided, single submitter. Criteria: ACMG Guidelines, 2015. Collection method: clinical testing. Allele origin: germline. Observed: 8 variant alleles.

Illumina Laboratory Services, Illumina
Classification: Benign for Osteogenesis imperfecta type 11. Last evaluated: 2018-01-12. Review status: criteria provided, single submitter. Criteria: ICSL Variant Classification Criteria 13 December 2019. Collection method: clinical testing. Allele origin: germline.
Comment: This variant was observed in the ICSL laboratory as part of a predisposition screen in an ostensibly healthy population. It had not been previously curated by ICSL or reported in the Human Gene Mutation Database (HGMD: prior to June 1st, 2018), and was therefore a candidate for classification through an automated scoring system. Utilizing variant allele frequency, disease prevalence and penetrance estimates, and inheritance mode, an automated score was calculated to assess if this variant is too frequent to cause the disease. Based on the score and internal cut-off values, a variant classified as benign is not then subjected to further curation. The score for this variant resulted in a classification of benign for this disease.

GeneDx
Classification: Benign. Last evaluated: 2017-09-13. Review status: criteria provided, single submitter. Criteria: GeneDx Variant Classification (06012015). Collection method: clinical testing. Allele origin: germline. Affected: yes.
Comment: This variant is considered likely benign or benign based on one or more of the following criteria: it is a conservative change, it occurs at a poorly conserved position in the protein, it is predicted to be benign by multiple in silico algorithms, and/or has population frequency not consistent with disease.

Medical Molecular Genetics Department, National Research Center
Classification: Uncertain significance for Osteogenesis imperfecta, type XI. Review status: criteria provided, single submitter. Criteria: ACMG Guidelines, 2015. Collection method: clinical testing. Allele origin: unknown. Inheritance: Autosomal recessive inheritance. Observed: 1 variant allele.

PreventionGenetics, part of Exact Sciences
Classification: Benign. Review status: criteria provided, single submitter. Criteria: ACMG Guidelines, 2015. Collection method: clinical testing. Allele origin: germline.

Genome Diagnostics Laboratory, Amsterdam University Medical Center
Classification: Benign. Review status: no assertion criteria provided. Collection method: clinical testing. Allele origin: germline. Affected: yes. Study: VKGL Data-share Consensus. Not counted in ClinVar's aggregate classification.

Laboratory of Diagnostic Genome Analysis, Leiden University Medical Center (LUMC)
Classification: Likely benign. Review status: no assertion criteria provided. Collection method: clinical testing. Allele origin: germline. Affected: yes. Study: VKGL Data-share Consensus. Not counted in ClinVar's aggregate classification.

NM_021939.4(FKBP10):c.590A>G (p.Lys197Arg)

Gene: FKBP10 (FKBP prolyl isomerase 10; plus strand). Cytogenetic location: 17q21.2.
Variant type: single nucleotide variant.
Coding change: c.590A>G on transcript NM_021939.4 (MANE Select); coding-DNA position 590, A replaced by G.
Protein change: p.Lys197Arg; replaces lysine 197 with arginine.
Molecular consequence: missense variant.
Genome position (GRCh38, 1-based): chr17:41,818,390, A>G. VCF-style: chr17-41818390-A-G. GRCh37 (hg19) VCF-style: chr17-39974642-A-G.
Other names: short protein forms K197R.
Identifiers: ClinVar variation 261438 (VCV000261438.18), dbSNP rs34764749, ClinGen allele CA8566304.